The following is an entry in ClinVar:

NM_138576.4(BCL11B):c.1234A>G (p.Met412Val)

Gene: BCL11B (BCL11 transcription factor B; minus strand). Cytogenetic location: 14q32.2.
Variant type: single nucleotide variant.
Coding change: c.1234A>G on transcript NM_138576.4 (MANE Select); coding-DNA position 1234, A replaced by G.
Protein change: p.Met412Val; replaces methionine 412 with valine.
Molecular consequence: missense variant.
Genome position (GRCh38, 1-based): chr14:99,175,602, T>C on the plus strand (A>G on the coding strand, the complement: BCL11B is on the minus strand). VCF-style: chr14-99175602-T-C. GRCh37 (hg19) VCF-style: chr14-99641939-T-C.
Other names: c.1231A>G, p.Met411Val (NM_001282237.2); c.1018A>G, p.Met340Val (NM_001282238.2); c.1021A>G, p.Met341Val (NM_022898.3); short protein forms M340V, M341V, M411V, M412V.
Identifiers: ClinVar variation 2580431 (VCV002580431.1), dbSNP rs1000038879, ClinGen allele CA390935840.

ClinVar aggregate classification (germline): Uncertain significance (1 of 4 stars; one submission).

Allele frequency attached by ClinVar (database versions not stated): gnomAD exomes below 0.00001.
gnomAD v4.1: 2 of 1,570,428 alleles (0.00013%); highest among the groups gnomAD compares: Non-Finnish European, 0.00017%; no homozygotes.

Submission:

GeneDx
Classification: Uncertain significance. Last evaluated: 2023-03-23. Review status: criteria provided, single submitter. Criteria: GeneDx Variant Classification Process June 2021. Collection method: clinical testing. Allele origin: germline. Affected: yes.
Comment: Not observed at significant frequency in large population cohorts (gnomAD); In silico analysis supports that this missense variant does not alter protein structure/function; Has not been previously published as pathogenic or benign to our knowledge.